The following is an entry in ClinVar:

NM_033305.3(VPS13A):c.2405del (p.Ser802fs)

Gene: VPS13A (vacuolar protein sorting 13 homolog A; plus strand). Cytogenetic location: 9q21.2.
Variant type: Deletion.
Coding change: c.2405del on transcript NM_033305.3 (MANE Select); coding-DNA position 2405, one base deleted (C; older notation c.2405delC).
Protein change: p.Ser802fs; shifts the reading frame from serine 802.
Molecular consequence: frameshift variant.
Genome position (GRCh38, 1-based): chr9:77,260,202, C deleted. VCF-style (leftmost placement, unchanged base first): chr9-77260201-TC-T. GRCh37 (hg19) VCF-style: chr9-79875117-TC-T.
Other names: c.2405del, p.Ser802fs (NM_001018037.2, NM_001018038.3, NM_015186.4); short protein forms S802fs.
Identifiers: ClinVar variation 1351938 (VCV001351938.6), dbSNP rs2131293274, ClinGen allele CA2573144706.

ClinVar aggregate classification (germline): Pathogenic (1 of 4 stars; one submission).

Submission:

Labcorp Genetics (formerly Invitae), Labcorp
Classification: Pathogenic. Last evaluated: 2021-10-09. Review status: criteria provided, single submitter. Criteria: Invitae Variant Classification Sherloc (09022015). Collection method: clinical testing. Allele origin: germline.
Comment: This variant has not been reported in the literature in individuals affected with VPS13A-related conditions. This variant is not present in population databases (ExAC no frequency). For these reasons, this variant has been classified as Pathogenic. This sequence change creates a premature translational stop signal (p.Ser802Leufs*24) in the VPS13A gene. It is expected to result in an absent or disrupted protein product. Loss-of-function variants in VPS13A are known to be pathogenic (PMID: 12404112, 21598378).

Literature cited by the submitters: PubMed 12404112; PubMed 21598378.